The following is an entry in ClinVar:

ClinVar aggregate classification (germline): Benign (0 of 4 stars; one submission).

Conditions:
MDN1-related disorder. Also called: MDN1-related condition.

Allele frequency attached by ClinVar (database versions not stated): 1000 Genomes Project 30x 0.00094; 1000 Genomes Project 0.00100; ESP Exome Variant Server 0.00292; TOPMed 0.00337; gnomAD 0.00363; ExAC 0.00384; gnomAD exomes 0.00447.
gnomAD v4.1: 7,109 of 1,610,998 alleles (0.44%); highest among the groups gnomAD compares: Middle Eastern, 0.78%; 30 homozygotes.

Submission:

PreventionGenetics, part of Exact Sciences
Classification: Benign for MDN1-related condition. Last evaluated: 2019-06-11. Review status: no assertion criteria provided. Collection method: clinical testing. Allele origin: germline.
Comment: This variant is classified as benign based on ACMG/AMP sequence variant interpretation guidelines (Richards et al. 2015 PMID: 25741868, with internal and published modifications).

NM_014611.3(MDN1):c.4520A>T (p.Glu1507Val)

Gene: MDN1 (midasin AAA ATPase 1; minus strand). Cytogenetic location: 6q15.
Variant type: single nucleotide variant.
Coding change: c.4520A>T on transcript NM_014611.3 (MANE Select); coding-DNA position 4520, A replaced by T.
Protein change: p.Glu1507Val; replaces glutamic acid 1507 with valine.
Molecular consequence: missense variant.
Genome position (GRCh38, 1-based): chr6:89,740,307, T>A on the plus strand (A>T on the coding strand, the complement: MDN1 is on the minus strand). VCF-style: chr6-89740307-T-A. GRCh37 (hg19) VCF-style: chr6-90450026-T-A.
Other names: short protein forms E1507V.
Identifiers: ClinVar variation 3033350 (VCV003033350.2), dbSNP rs114779526, ClinGen allele CA3925058.
Genomic context (GRCh38, chr6:89,740,307, plus strand): 5'-AAGTCACCCCCAGGGTTCATGGTTGCTAGAATACGAAATTTTTTCCCAGCAGTCAACAGC[T>A]CTATTTCACTATCCTTGTCCTCTGGACTGCCTTTTTCAGCTAATACCAGAGACTTTTCTA-3'
Protein context (NP_055426.1, residues 1497-1517): GSPEDKDSEI[Glu1507Val]LLTAGKKFRI